The following is an entry in ClinVar:

ClinVar aggregate classification (germline): Benign. Review status: criteria provided, multiple submitters, no conflicts (2 of 4 stars). 5 submissions from 5 submitters: Benign (3). 2 of the submissions do not count toward it. Last evaluated 2020-04-17.

Conditions:
alpha Thalassemia. Also called: Alpha thalassemia spectrum. Identifiers: Orphanet 846, MedGen C0002312, MONDO:0011399, OMIM 604131.

Allele frequency attached by ClinVar (database versions not stated): gnomAD 0.01925 and 0.01828; 1000 Genomes Project 30x 0.02623; TOPMed 0.02083; 1000 Genomes Project 0.02256.

Submissions (5):

ARUP Laboratories, Molecular Genetics and Genomics, ARUP Laboratories
Classification: Benign. Last evaluated: 2020-04-17. Review status: criteria provided, single submitter. Criteria: ARUP Molecular Germline Variant Investigation Process. Collection method: clinical testing. Allele origin: germline.

GeneDx
Classification: Benign. Last evaluated: 2018-07-05. Review status: criteria provided, single submitter. Criteria: GeneDx Variant Classification Process June 2021. Collection method: clinical testing. Allele origin: germline. Affected: yes.

Breakthrough Genomics
Classification: Benign. Review status: criteria provided, single submitter. Criteria: ACMG Guidelines, 2015. Collection method: not provided. Allele origin: germline. Inheritance: Autosomal dominant inheritance. Affected: yes.

MOLECULAR BIOLOGY AND HUMAN GENETICS DIVISION, THE UNIVERSITY OF BURDWAN
Classification: Benign for alpha Thalassemia. Last evaluated: 2025-04-21. Review status: no assertion criteria provided. Collection method: research. Allele origin: germline. Affected: no. Observed: 1 variant allele. Not counted in ClinVar's aggregate classification.
Comment: Intronic variant of the HBA1 gene, commonly observed at a higher frequency in general population, no phenotypic effect was identified in heterozygous condition

An intronic variant of the HBA1 gene, found in a Bengali Thalassemia (Beta) pateint during alpha-globin gene mutation screening.

Natera, Inc.
Classification: Benign for Alpha thalassemia. Last evaluated: 2020-09-16. Review status: no assertion criteria provided. Collection method: clinical testing. Allele origin: germline. Not counted in ClinVar's aggregate classification.

Literature cited by the submitters: PubMed 34632085 (cited by MOLECULAR BIOLOGY AND HUMAN GENETICS DIVISION, THE UNIVERSITY OF BURDWAN).

NM_000558.5(HBA1):c.300+55G>T

Genes: HBA1 (hemoglobin subunit alpha 1; plus strand), LOC106804613 (hemoglobin subunit alpha 1 recombination region; plus strand). Cytogenetic location: 16p13.3.
Variant type: single nucleotide variant.
Coding change: c.300+55G>T on transcript NM_000558.5 (MANE Select); 55 bases into the intron after coding-DNA position 300, G replaced by T.
Molecular consequence: intron variant.
Genome position (GRCh38, 1-based): chr16:177,188, G>T. VCF-style: chr16-177188-G-T. GRCh37 (hg19) VCF-style: chr16-227187-G-T.
Identifiers: ClinVar variation 439768 (VCV000439768.14), dbSNP rs148228241, ClinGen allele CA276417062.